The following is an entry in ClinVar:

NM_000447.3(PSEN2):c.903G>T (p.Thr301=)

Gene: PSEN2 (presenilin 2; plus strand). Cytogenetic location: 1q42.13.
Variant type: single nucleotide variant.
Coding change: c.903G>T on transcript NM_000447.3 (MANE Select); coding-DNA position 903, G replaced by T.
Protein change: p.Thr301=; no amino-acid change (threonine 301 retained).
Molecular consequence: synonymous variant.
Genome position (GRCh38, 1-based): chr1:226,891,294, G>T. VCF-style: chr1-226891294-G-T. GRCh37 (hg19) VCF-style: chr1-227078995-G-T.
Other names: p.Thr301=; c.903G>T, p.Thr301= (NM_012486.3).
Identifiers: ClinVar variation 256187 (VCV000256187.18), dbSNP rs6426553, ClinGen allele CA1424706.
Genomic context (GRCh38, chr1:226,891,294, plus strand): 5'-ACTGTTAGCACCGCCTGAGATGTGAACCTTTTCTCCTCCCCCAGCTGCCATGGTGTGGAC[G>T]GTTGGCATGGCGAAGCTGGACCCCTCCTCTCAGGGTGCCCTCCAGCTCCCCTACGACCCG-3'
Protein context (NP_000438.2, residues 291-311): ALIYSSAMVW[Thr301=]VGMAKLDPSS

ClinVar aggregate classification (germline): Benign/Likely benign. Review status: criteria provided, multiple submitters, no conflicts (2 of 4 stars). 7 submissions from 6 submitters: Benign (4); Likely benign (3). Last evaluated 2026-01-26.

Conditions:
Dilated cardiomyopathy 1V (CMD1V). Identifiers: Orphanet 154, MedGen C3150958, MONDO:0013373, OMIM 613697.
Alzheimer disease 4 (AD4). Identifiers: Orphanet 1020, MedGen C1847200, MONDO:0011743, OMIM 606889.

Allele frequency attached by ClinVar (database versions not stated): gnomAD 0.03334; TOPMed 0.03804; ESP Exome Variant Server 0.03852; 1000 Genomes Project 0.04073; 1000 Genomes Project 30x 0.04357.
gnomAD v4.1: 10,413 of 1,613,904 alleles (0.65%); highest among the groups gnomAD compares: African/African-American, 12%; 526 homozygotes.

Submissions (7):

Labcorp Genetics (formerly Invitae), Labcorp
Classification: Benign for Alzheimer disease 4. Last evaluated: 2026-01-26. Review status: criteria provided, single submitter. Criteria: Invitae Variant Classification Sherloc (09022015). Collection method: clinical testing. Allele origin: germline.

Mayo Clinic Laboratories, Mayo Clinic
Classification: Benign. Last evaluated: 2024-02-17. Review status: criteria provided, single submitter. Criteria: ACMG Guidelines, 2015. Collection method: clinical testing. Allele origin: germline. Observed: 6 variant alleles.

GeneDx
Classification: Benign. Last evaluated: 2018-11-16. Review status: criteria provided, single submitter. Criteria: GeneDx Variant Classification Process June 2021. Collection method: clinical testing. Allele origin: germline. Affected: yes.

Illumina Laboratory Services, Illumina
Classification: Likely benign for Alzheimer disease 4. Last evaluated: 2017-04-27. Review status: criteria provided, single submitter. Criteria: ICSL Variant Classification Criteria 13 December 2019. Collection method: clinical testing. Allele origin: germline.
Comment: This variant was observed as part of a predisposition screen in an ostensibly healthy population. A literature search was performed for the gene, cDNA change, and amino acid change (where applicable). No publications were found based on this search. Allele frequency data from public databases allowed determination this variant is unlikely to cause disease. Therefore, this variant is classified as likely benign.

Illumina Laboratory Services, Illumina
Classification: Likely benign for Dilated cardiomyopathy 1V. Last evaluated: 2017-04-27. Review status: criteria provided, single submitter. Criteria: ICSL Variant Classification Criteria 13 December 2019. Collection method: clinical testing. Allele origin: germline.
Comment: the same text as in the submission from Illumina Laboratory Services, Illumina above.

Breakthrough Genomics
Classification: Likely benign. Review status: criteria provided, single submitter. Criteria: ACMG Guidelines, 2015. Collection method: not provided. Allele origin: germline. Inheritance: Autosomal dominant inheritance. Affected: yes.

PreventionGenetics, part of Exact Sciences
Classification: Benign. Review status: criteria provided, single submitter. Criteria: ACMG Guidelines, 2015. Collection method: clinical testing. Allele origin: germline.